The following is an entry in ClinVar:

ClinVar aggregate classification (germline): Likely pathogenic (1 of 4 stars; one submission).

Conditions:
Familial dysautonomia. Also called: HSAN III; FD. Identifiers: Orphanet 1764, MedGen C0013364, MONDO:0009131, OMIM 223900. Disease mechanism: loss of function.

Submission:

Natera, Inc.
Classification: Likely pathogenic for Familial dysautonomia. Last evaluated: 2025-07-21. Review status: criteria provided, single submitter. Criteria: Natera Variant Classification Schema (03/2026). Collection method: clinical testing. Allele origin: germline.
Comment: The c.379del variant in ELP1 is a frameshift variant predicted to shift the reading frame beginning at codon 127 and leads to a stop codon 7 codons downstream. This variant is expected to result in nonsense mediated decay, truncation, or a dysfunctional protein product. This variant is rare in the general population with a frequency below the threshold expected for the associated phenotype(s). Given the available evidence, this variant is classified as Likely Pathogenic.

NM_003640.5(ELP1):c.379del (p.Ala127fs)

Gene: ELP1 (elongator acetyltransferase complex subunit 1; minus strand). Cytogenetic location: 9q31.3.
Variant type: Deletion.
Coding change: c.379del on transcript NM_003640.5 (MANE Select); coding-DNA position 379, one base deleted (G; older notation c.379delG).
Protein change: p.Ala127fs; shifts the reading frame from alanine 127.
Molecular consequence: frameshift variant. On other transcripts: 5 prime UTR variant (1).
Genome position (GRCh38, 1-based): chr9:108,927,378, C deleted on the plus strand (G on the coding strand, the reverse complement: ELP1 is on the minus strand). VCF-style (leftmost placement, unchanged base first): chr9-108927377-GC-G. GRCh37 (hg19) VCF-style: chr9-111689657-GC-G.
Other names: c.37del, p.Ala13fs (NM_001318360.2); c.-481del (NM_001330749.2); short protein forms A127fs, A13fs.
Identifiers: ClinVar variation 4815237 (VCV004815237.1).